The following is an entry in ClinVar:

NM_004370.6(COL12A1):c.6968A>C (p.Asp2323Ala)

Gene: COL12A1 (collagen type XII alpha 1 chain; minus strand). Cytogenetic location: 6q13.
Variant type: single nucleotide variant.
Coding change: c.6968A>C on transcript NM_004370.6 (MANE Select); coding-DNA position 6968, A replaced by C.
Protein change: p.Asp2323Ala; replaces aspartic acid 2323 with alanine.
Molecular consequence: missense variant.
Genome position (GRCh38, 1-based): chr6:75,121,420, T>G on the plus strand (A>C on the coding strand, the complement: COL12A1 is on the minus strand). VCF-style: chr6-75121420-T-G. GRCh37 (hg19) VCF-style: chr6-75831136-T-G.
Other names: c.6968A>C, p.Asp2323Ala (NM_001424113.1); c.6947A>C, p.Asp2316Ala (NM_001424114.1); c.6695A>C, p.Asp2232Ala (NM_001424115.1); c.3476A>C, p.Asp1159Ala (NM_001424116.1, NM_080645.3); short protein forms D2232A, D2323A, D1159A, D2316A.
Identifiers: ClinVar variation 4782436 (VCV004782436.1).

ClinVar aggregate classification (germline): Uncertain significance (1 of 4 stars; one submission).

Conditions:
Ullrich congenital muscular dystrophy 2 (UCMD2). Identifiers: Orphanet 75840, MedGen C4225314, MONDO:0014654, OMIM 616470.
Bethlem myopathy 2 (BTHLM2). Identifiers: Orphanet 536516, Orphanet 610, MedGen C4225313, MONDO:0034022, OMIM 616471.

Submission:

Labcorp Genetics (formerly Invitae), Labcorp
Classification: Uncertain significance for Bethlem myopathy 2; Ullrich congenital muscular dystrophy 2. Last evaluated: 2025-02-13. Review status: criteria provided, single submitter. Criteria: Invitae Variant Classification Sherloc (09022015). Collection method: clinical testing. Allele origin: germline.
Comment: This sequence change replaces aspartic acid, which is acidic and polar, with alanine, which is neutral and non-polar, at codon 2323 of the COL12A1 protein (p.Asp2323Ala). This variant is not present in population databases (gnomAD no frequency). This variant has not been reported in the literature in individuals affected with COL12A1-related conditions. Invitae Evidence Modeling of protein sequence and biophysical properties (such as structural, functional, and spatial information, amino acid conservation, physicochemical variation, residue mobility, and thermodynamic stability) indicates that this missense variant is expected to disrupt COL12A1 protein function with a positive predictive value of 80%. In summary, the available evidence is currently insufficient to determine the role of this variant in disease. Therefore, it has been classified as a Variant of Uncertain Significance.